The following is an entry in ClinVar:

ClinVar aggregate classification (germline): Conflicting classifications of pathogenicity. Review status: criteria provided, conflicting classifications (1 of 4 stars). 2 submissions from 2 submitters: Uncertain significance (1); Benign (1). Last evaluated 2025-10-27.

Conditions:
PHIP-related disorder. Also called: PHIP-related disorders; PHIP-related condition.

Allele frequency attached by ClinVar (database versions not stated): gnomAD 0.00011; TOPMed 0.00013; 1000 Genomes Project 30x 0.00016; 1000 Genomes Project 0.00020.
gnomAD v4.1: 27 of 1,613,246 alleles (0.0017%); highest among the groups gnomAD compares: Admixed American, 0.033%; no homozygotes.

Submissions (2):

Labcorp Genetics (formerly Invitae), Labcorp
Classification: Benign. Last evaluated: 2025-10-27. Review status: criteria provided, single submitter. Criteria: Invitae Variant Classification Sherloc (09022015). Collection method: clinical testing. Allele origin: germline.

PreventionGenetics, part of Exact Sciences
Classification: Uncertain significance for PHIP-related condition. Last evaluated: 2025-06-21. Review status: criteria provided, single submitter. Criteria: ACMG Guidelines, 2015. Collection method: clinical testing. Allele origin: germline.
Comment: The PHIP c.4849C>T variant is predicted to result in the amino acid substitution p.Leu1617Phe. To our knowledge, this variant has not been reported in the literature. This variant is reported in 0.0085% of alleles in individuals of Latino descent in gnomAD. At this time, the clinical significance of this variant is uncertain due to the absence of conclusive functional and genetic evidence.

NM_017934.7(PHIP):c.4849C>T (p.Leu1617Phe)

Genes: IRAK1BP1 (interleukin 1 receptor associated kinase 1 binding protein 1; plus strand), PHIP (PHIP subunit of CUL4-Ring ligase complex; minus strand). Cytogenetic location: 6q14.1.
Variant type: single nucleotide variant.
Coding change: c.4849C>T on transcript NM_017934.7 (MANE Select); coding-DNA position 4849, C replaced by T.
Protein change: p.Leu1617Phe; replaces leucine 1617 with phenylalanine.
Molecular consequence: missense variant.
Genome position (GRCh38, 1-based): chr6:78,941,310, G>A on the plus strand (C>T on the coding strand, the complement: PHIP is on the minus strand). VCF-style: chr6-78941310-G-A. GRCh37 (hg19) VCF-style: chr6-79651027-G-A.
Other names: c.4849C>T (NM_017934.6); short protein forms L1617F.
Identifiers: ClinVar variation 2187205 (VCV002187205.5), dbSNP rs557254495, ClinGen allele CA3899343.
Genomic context (GRCh38, chr6:78,941,310, plus strand): 5'-TCTTCACAAGTTTTGATGGCTGTCCTCCATGGCCATTTACTTGAATGGTTCCTGGTACAA[G>A]AGCGTTGTTCTTACAATCTCCTAAAAGGGAACAACAGTACACTTAATATATGGAGTTTCT-3'
Protein context (NP_060404.4, residues 1607-1627): IEQGDCKNNA[Leu1617Phe]VPGTIQVNGH